The following is an entry in ClinVar:

NM_000642.3(AGL):c.106G>A (p.Gly36Ser)

Gene: AGL (amylo-alpha-1,6-glucosidase and 4-alpha-glucanotransferase; plus strand). Cytogenetic location: 1p21.2.
Variant type: single nucleotide variant.
Coding change: c.106G>A on transcript NM_000642.3 (MANE Select); coding-DNA position 106, G replaced by A.
Protein change: p.Gly36Ser; replaces glycine 36 with serine.
Molecular consequence: missense variant.
Genome position (GRCh38, 1-based): chr1:99,861,526, G>A. VCF-style: chr1-99861526-G-A. GRCh37 (hg19) VCF-style: chr1-100327082-G-A.
Other names: c.106G>A, p.Gly36Ser (NM_000028.3, NM_000643.3, NM_000644.3 and 5 more transcripts); c.58G>A, p.Gly20Ser (NM_000646.3); short protein forms G36S, G20S.
Identifiers: ClinVar variation 1040387 (VCV001040387.8), dbSNP rs746977667, ClinGen allele CA341328994.
Genomic context (GRCh38, chr1:99,861,526, plus strand): 5'-CCTACGATGAGTTTATTAACATGTGCTTTTTATTTAGGGTATGAGCTACAGTTCCGATTA[G>A]GCCCAACTTTACAGGGAAAAGCAGTTACCGTGTATACAAATTACCCATTTCCTGGAGAAA-3'
Protein context (NP_000633.2, residues 26-46): EQGYELQFRL[Gly36Ser]PTLQGKAVTV

ClinVar aggregate classification (germline): Uncertain significance (1 of 4 stars; one submission).

Conditions:
Glycogen storage disease type III (GSD3). Also called: Cori disease; FORBES DISEASE. Identifiers: Orphanet 366, MedGen C0017922, MONDO:0009291, OMIM 232400.

Submission:

Labcorp Genetics (formerly Invitae), Labcorp
Classification: Uncertain significance for Glycogen storage disease type III. Last evaluated: 2022-03-09. Review status: criteria provided, single submitter. Criteria: Invitae Variant Classification Sherloc (09022015). Collection method: clinical testing. Allele origin: germline.
Comment: In summary, the available evidence is currently insufficient to determine the role of this variant in disease. Therefore, it has been classified as a Variant of Uncertain Significance. Algorithms developed to predict the effect of missense changes on protein structure and function are either unavailable or do not agree on the potential impact of this missense change (SIFT: "Deleterious"; PolyPhen-2: "Probably Damaging"; Align-GVGD: "Class C0"). ClinVar contains an entry for this variant (Variation ID: 1040387). This variant has not been reported in the literature in individuals affected with AGL-related conditions. This variant is not present in population databases (gnomAD no frequency). This sequence change replaces glycine, which is neutral and non-polar, with serine, which is neutral and polar, at codon 36 of the AGL protein (p.Gly36Ser).